The following is an entry in ClinVar:

NM_001170629.2(CHD8):c.6269G>A (p.Ser2090Asn)

Gene: CHD8 (chromodomain helicase DNA binding protein 8; minus strand). Cytogenetic location: 14q11.2.
Variant type: single nucleotide variant.
Coding change: c.6269G>A on transcript NM_001170629.2 (MANE Select); coding-DNA position 6269, G replaced by A.
Protein change: p.Ser2090Asn; replaces serine 2090 with asparagine.
Molecular consequence: missense variant.
Genome position (GRCh38, 1-based): chr14:21,393,526, C>T on the plus strand (G>A on the coding strand, the complement: CHD8 is on the minus strand). VCF-style: chr14-21393526-C-T. GRCh37 (hg19) VCF-style: chr14-21861685-C-T.
Other names: c.5432G>A, p.Ser1811Asn (NM_020920.4); short protein forms S1811N, S2090N.
Identifiers: ClinVar variation 2630872 (VCV002630872.1), dbSNP rs976254746, ClinGen allele CA388879950.

ClinVar aggregate classification (germline): Uncertain significance (1 of 4 stars; one submission).

Conditions:
CHD8-related disorder. Also called: CHD8-related condition; CHD8-related disorders.

Submission:

PreventionGenetics, part of Exact Sciences
Classification: Uncertain significance for CHD8-related condition. Last evaluated: 2023-09-02. Review status: criteria provided, single submitter. Criteria: ACMG Guidelines, 2015. Collection method: clinical testing. Allele origin: germline.
Comment: The CHD8 c.6269G>A variant is predicted to result in the amino acid substitution p.Ser2090Asn. To our knowledge, this variant has not been reported in the literature or in a large population database, indicating this variant is rare. At this time, the clinical significance of this variant is uncertain due to the absence of conclusive functional and genetic evidence.